The following is an entry in ClinVar:

NM_001278512.2(AP3B2):c.2555C>G (p.Ala852Gly)

Genes: AP3B2 (adaptor related protein complex 3 subunit beta 2; minus strand), CPEB1-AS1 (CPEB1 antisense RNA 1; plus strand). Cytogenetic location: 15q25.2.
Variant type: single nucleotide variant.
Coding change: c.2555C>G on transcript NM_001278512.2 (MANE Select); coding-DNA position 2555, C replaced by G.
Protein change: p.Ala852Gly; replaces alanine 852 with glycine.
Molecular consequence: missense variant.
Genome position (GRCh38, 1-based): chr15:82,663,176, G>C on the plus strand (C>G on the coding strand, the complement: AP3B2 is on the minus strand). VCF-style: chr15-82663176-G-C. GRCh37 (hg19) VCF-style: chr15-83331928-G-C.
Other names: c.2402C>G, p.Ala801Gly (NM_001278511.2); c.2498C>G, p.Ala833Gly (NM_004644.5); short protein forms A833G, A801G, A852G.
Identifiers: ClinVar variation 2117176 (VCV002117176.4), dbSNP rs756273764, ClinGen allele CA393309625.

ClinVar aggregate classification (germline): Uncertain significance (1 of 4 stars; one submission).

gnomAD v4.1: 1 of 1,612,920 alleles (0.000062%); highest among the groups gnomAD compares: Non-Finnish European, 0.000085%; no homozygotes.

Submission:

Labcorp Genetics (formerly Invitae), Labcorp
Classification: Uncertain significance. Last evaluated: 2023-02-15. Review status: criteria provided, single submitter. Criteria: Invitae Variant Classification Sherloc (09022015). Collection method: clinical testing. Allele origin: germline.
Comment: This sequence change replaces alanine, which is neutral and non-polar, with glycine, which is neutral and non-polar, at codon 833 of the AP3B2 protein (p.Ala833Gly). This variant is not present in population databases (gnomAD no frequency). This variant has not been reported in the literature in individuals affected with AP3B2-related conditions. An algorithm developed to predict the effect of missense changes on protein structure and function (PolyPhen-2) suggests that this variant is likely to be tolerated. In summary, the available evidence is currently insufficient to determine the role of this variant in disease. Therefore, it has been classified as a Variant of Uncertain Significance.